The following is an entry in ClinVar:

ClinVar aggregate classification (germline): Uncertain significance (1 of 4 stars; one submission).

gnomAD v4.1: 24 of 1,425,716 alleles (0.0017%); highest among the groups gnomAD compares: Middle Eastern, 0.12%; no homozygotes.

Submission:

Women's Health and Genetics/Laboratory Corporation of America, LabCorp
Classification: Uncertain significance. Last evaluated: 2024-07-10. Review status: criteria provided, single submitter. Criteria: LabCorp Variant Classification Summary - May 2015. Collection method: clinical testing. Allele origin: germline.
Comment: Variant summary: NEFH c.526G>A (p.Glu176Lys) results in a conservative amino acid change located in the Intermediate filament, rod domain (IPR039008) of the encoded protein sequence. Four of five in-silico tools predict a damaging effect of the variant on protein function. The frequency data for this variant in gnomAD is considered unreliable, as metrics indicate poor data quality at this position. To our knowledge, no occurrence of c.526G>A in individuals affected with Charcot-Marie Tooth Disease, Axonal, Type 2CC and no experimental evidence demonstrating its impact on protein function have been reported. No submitters have cited clinical-significance assessments for this variant to ClinVar. Based on the evidence outlined above, the variant was classified as uncertain significance.

NM_021076.4(NEFH):c.526G>A (p.Glu176Lys)

Gene: NEFH (neurofilament heavy chain; plus strand). Cytogenetic location: 22q12.2.
Variant type: single nucleotide variant.
Coding change: c.526G>A on transcript NM_021076.4 (MANE Select); coding-DNA position 526, G replaced by A.
Protein change: p.Glu176Lys; replaces glutamic acid 176 with lysine.
Molecular consequence: missense variant.
Genome position (GRCh38, 1-based): chr22:29,480,788, G>A. VCF-style: chr22-29480788-G-A. GRCh37 (hg19) VCF-style: chr22-29876777-G-A.
Other names: short protein forms E176K.
Identifiers: ClinVar variation 3338961 (VCV003338961.1).